The following is an entry in ClinVar:

ClinVar aggregate classification (germline): Uncertain significance. Review status: criteria provided, multiple submitters, no conflicts (2 of 4 stars). 4 submissions from 4 submitters: Uncertain significance (2). 2 of the submissions do not count toward it. Last evaluated 2025-03-31.

Conditions:
Cardiovascular phenotype. Identifiers: MedGen CN230736.
Catecholaminergic polymorphic ventricular tachycardia 1. Also called: VENTRICULAR TACHYCARDIA, CATECHOLAMINERGIC POLYMORPHIC, 1, WITH OR WITHOUT ATRIAL DYSFUNCTION AND/OR DILATED CARDIOMYOPATHY; RYR2-Related Catecholaminergic Polymorphic Ventricular Tachycardia; VENTRICULAR TACHYCARDIA, STRESS-INDUCED POLYMORPHIC 1. Identifiers: Orphanet 3286, MedGen C1631597, MONDO:0011484, OMIM 604772.

Allele frequency attached by ClinVar (database versions not stated): gnomAD exomes 0.00001 and below 0.00001; gnomAD 0.00005; ExAC 0.00001; TOPMed 0.00005; ESP Exome Variant Server 0.00008.
gnomAD v4.1: 16 of 1,613,300 alleles (0.00099%); highest among the groups gnomAD compares: Admixed American, 0.0017%; no homozygotes.

Submissions (4):

Ambry Genetics
Classification: Uncertain significance for Cardiovascular phenotype. Last evaluated: 2025-03-31. Review status: criteria provided, single submitter. Criteria: Ambry Variant Classification Scheme 2023. Collection method: clinical testing. Allele origin: germline.

Labcorp Genetics (formerly Invitae), Labcorp
Classification: Uncertain significance for Catecholaminergic polymorphic ventricular tachycardia 1. Last evaluated: 2023-09-11. Review status: criteria provided, single submitter. Criteria: Invitae Variant Classification Sherloc (09022015). Collection method: clinical testing. Allele origin: germline.
Comment: In summary, the available evidence is currently insufficient to determine the role of this variant in disease. Therefore, it has been classified as a Variant of Uncertain Significance. Advanced modeling of protein sequence and biophysical properties (such as structural, functional, and spatial information, amino acid conservation, physicochemical variation, residue mobility, and thermodynamic stability) performed at Invitae indicates that this missense variant is not expected to disrupt TRDN protein function. ClinVar contains an entry for this variant (Variation ID: 864249). This missense change has been observed in individual(s) with clinical features of TRDN-related conditions (PMID: 21520333). This variant is present in population databases (rs368939536, gnomAD 0.0009%). This sequence change replaces asparagine, which is neutral and polar, with isoleucine, which is neutral and non-polar, at codon 75 of the TRDN protein (p.Asn75Ile).

Clinical Genetics, Academic Medical Center
Classification: Uncertain significance. Review status: no assertion criteria provided. Collection method: clinical testing. Allele origin: germline. Affected: yes. Study: VKGL Data-share Consensus. Not counted in ClinVar's aggregate classification.

Joint Genome Diagnostic Labs from Nijmegen and Maastricht, Radboudumc and MUMC+
Classification: Uncertain significance. Review status: no assertion criteria provided. Collection method: clinical testing. Allele origin: germline. Affected: yes. Study: VKGL Data-share Consensus. Not counted in ClinVar's aggregate classification.

Literature cited by the submitters: PubMed 21520333 (cited by Labcorp Genetics (formerly Invitae), Labcorp).

NM_006073.4(TRDN):c.224A>T (p.Asn75Ile)

Gene: TRDN (triadin; minus strand). Cytogenetic location: 6q22.31.
Variant type: single nucleotide variant.
Coding change: c.224A>T on transcript NM_006073.4 (MANE Select); coding-DNA position 224, A replaced by T.
Protein change: p.Asn75Ile; replaces asparagine 75 with isoleucine.
Molecular consequence: missense variant.
Genome position (GRCh38, 1-based): chr6:123,570,931, T>A on the plus strand (A>T on the coding strand, the complement: TRDN is on the minus strand). VCF-style: chr6-123570931-T-A. GRCh37 (hg19) VCF-style: chr6-123892076-T-A.
Other names: c.224A>T, p.Asn75Ile (NM_001251987.2, NM_001256020.2, NM_001256021.2 and 1 more transcripts); c.224A>T (NM_006073.2); short protein forms N75I.
Identifiers: ClinVar variation 864249 (VCV000864249.16), dbSNP rs368939536, ClinGen allele CA3984445.